The following is an entry in ClinVar:

ClinVar aggregate classification (germline): Uncertain significance. Review status: criteria provided, multiple submitters, no conflicts (2 of 4 stars). 2 submissions from 2 submitters: Uncertain significance (2). Last evaluated 2025-03-29.

Conditions:
Familial cutaneous telangiectasia and oropharyngeal predisposition cancer syndrome. Identifiers: Orphanet 313846, MedGen C3281203, MONDO:0013806, OMIM 614564.
Seckel syndrome 1 (SCKL1). Also called: MICROCEPHALIC PRIMORDIAL DWARFISM I. Identifiers: Orphanet 808, MedGen C4551474, MONDO:0008869, OMIM 210600.

gnomAD v4.1: 9 of 1,612,558 alleles (0.00056%); highest among the groups gnomAD compares: African/African-American, 0.0013%; no homozygotes.

Submissions (2):

Labcorp Genetics (formerly Invitae), Labcorp
Classification: Uncertain significance. Last evaluated: 2025-03-29. Review status: criteria provided, single submitter. Criteria: Invitae Variant Classification Sherloc (09022015). Collection method: clinical testing. Allele origin: germline.
Comment: This sequence change replaces arginine, which is basic and polar, with glutamine, which is neutral and polar, at codon 2363 of the ATR protein (p.Arg2363Gln). This variant is present in population databases (rs142918229, gnomAD 0.003%). This variant has not been reported in the literature in individuals affected with ATR-related conditions. An algorithm developed to predict the effect of missense changes on protein structure and function (PolyPhen-2) suggests that this variant is likely to be disruptive. In summary, the available evidence is currently insufficient to determine the role of this variant in disease. Therefore, it has been classified as a Variant of Uncertain Significance.

Juno Genomics, Hangzhou Juno Genomics, Inc
Classification: Uncertain significance for Familial cutaneous telangiectasia and oropharyngeal predisposition cancer syndrome; Seckel syndrome 1. Review status: criteria provided, single submitter. Criteria: ACMG Guidelines, 2015. Collection method: clinical testing. Allele origin: germline.
Comment: Absent from controls (or at extremely low frequency if recessive) in Genome Aggregation Database.;Missense variant in a gene that has a low rate of benign missense variation.;Multiple lines of computational evidence support a deleterious effect on the gene or gene product.

NM_001184.4(ATR):c.7088G>A (p.Arg2363Gln)

Gene: ATR (ATR checkpoint kinase; minus strand). Cytogenetic location: 3q23.
Variant type: single nucleotide variant.
Coding change: c.7088G>A on transcript NM_001184.4 (MANE Select); coding-DNA position 7088, G replaced by A.
Protein change: p.Arg2363Gln; replaces arginine 2363 with glutamine.
Molecular consequence: missense variant.
Genome position (GRCh38, 1-based): chr3:142,462,044, C>T on the plus strand (G>A on the coding strand, the complement: ATR is on the minus strand). VCF-style: chr3-142462044-C-T. GRCh37 (hg19) VCF-style: chr3-142180886-C-T.
Other names: c.6896G>A, p.Arg2299Gln (NM_001354579.2); short protein forms R2299Q, R2363Q.
Identifiers: ClinVar variation 4754234 (VCV004754234.3).